The following is an entry in ClinVar:

NM_015610.4(WIPI2):c.966G>A (p.Thr322=)

Gene: WIPI2 (WD repeat domain, phosphoinositide interacting 2; plus strand). Cytogenetic location: 7p22.1.
Variant type: single nucleotide variant.
Coding change: c.966G>A on transcript NM_015610.4 (MANE Select); coding-DNA position 966, G replaced by A.
Protein change: p.Thr322=; no amino-acid change (threonine 322 retained).
Molecular consequence: synonymous variant.
Genome position (GRCh38, 1-based): chr7:5,227,297, G>A. VCF-style: chr7-5227297-G-A. GRCh37 (hg19) VCF-style: chr7-5266928-G-A.
Other names: c.966G>A, p.Thr322= (NM_001033518.2); c.912G>A, p.Thr304= (NM_001033519.2, NM_016003.4); c.789G>A, p.Thr263= (NM_001033520.1); c.534G>A, p.Thr178= (NM_001278299.2).
Identifiers: ClinVar variation 2657268 (VCV002657268.24), dbSNP rs150877444, ClinGen allele CA4141905.

ClinVar aggregate classification (germline): Likely benign (1 of 4 stars; one submission).

Allele frequency attached by ClinVar (database versions not stated): ESP Exome Variant Server 0.00008; gnomAD 0.00023; TOPMed 0.00024; gnomAD exomes 0.00027; ExAC 0.00029; 1000 Genomes Project 30x 0.00094; 1000 Genomes Project 0.00100.
gnomAD v4.1: 419 of 1,612,752 alleles (0.026%); highest among the groups gnomAD compares: East Asian, 0.18%; no homozygotes.

Submission:

CeGaT Center for Human Genetics Tuebingen
Classification: Likely benign. Last evaluated: 2023-02-01. Review status: criteria provided, single submitter. Criteria: CeGaT Center For Human Genetics Tuebingen Variant Classification Criteria Version 2. Collection method: clinical testing. Allele origin: germline. Affected: yes. Observed: 1 variant allele.
Comment: WIPI2: BP4, BP7